The following is an entry in ClinVar:

NM_001283009.2(RTEL1):c.272A>T (p.Asn91Ile)

Genes: RTEL1 (regulator of telomere elongation helicase 1; plus strand), RTEL1-TNFRSF6B (RTEL1-TNFRSF6B readthrough (NMD candidate); plus strand). Cytogenetic location: 20q13.33.
Variant type: single nucleotide variant.
Coding change: c.272A>T on transcript NM_001283009.2 (MANE Select); coding-DNA position 272, A replaced by T.
Protein change: p.Asn91Ile; replaces asparagine 91 with isoleucine.
Molecular consequence: missense variant. On other transcripts: non-coding transcript variant (1), 5 prime UTR variant (1).
Genome position (GRCh38, 1-based): chr20:63,661,467, A>T. VCF-style: chr20-63661467-A-T. GRCh37 (hg19) VCF-style: chr20-62292820-A-T.
Other names: c.-398A>T (NM_001283010.1); c.272A>T, p.Asn91Ile (NM_016434.4, NM_032957.5); short protein forms N91I.
Identifiers: ClinVar variation 2930841 (VCV002930841.4), dbSNP rs941773443, ClinGen allele CA409658169.
Genomic context (GRCh38, chr20:63,661,467, plus strand): 5'-AGATTGCCGAGAGGGCGCAAGGAGAGCTTTTCCCGGATCGGGCCTTGTCATCCTGGGGCA[A>T]CGCTGCTGCTGCTGCTGGAGACCCCATAGGTGACCCTAGTTCCCAGGCCTCTCCTGGCCT-3'
Protein context (NP_001269938.1, residues 81-101): FPDRALSSWG[Asn91Ile]AAAAAGDPIA

ClinVar aggregate classification (germline): Uncertain significance. Review status: criteria provided, multiple submitters, no conflicts (2 of 4 stars). 2 submissions from 2 submitters: Uncertain significance (2). Last evaluated 2026-02-22.

Conditions:
Inborn genetic diseases. Identifiers: MedGen C0950123, MeSH D030342.
Dyskeratosis congenita, autosomal recessive 5 (DKCB5). Identifiers: MedGen C3554656, MONDO:0014076, OMIM 615190.
Pulmonary fibrosis and/or bone marrow failure, Telomere-related, 3. Also called: PULMONARY FIBROSIS AND/OR BONE MARROW FAILURE SYNDROME, TELOMERE-RELATED, 3. Identifiers: Orphanet 2032, MedGen C4225346, MONDO:0014613, OMIM 616373.

Submissions (2):

Ambry Genetics
Classification: Uncertain significance for Inborn genetic diseases. Last evaluated: 2026-02-22. Review status: criteria provided, single submitter. Criteria: Ambry Variant Classification Scheme 2023. Collection method: clinical testing. Allele origin: germline.
Comment: The p.N91I variant (also known as c.272A>T), located in coding exon 2 of the RTEL1 gene, results from an A to T substitution at nucleotide position 272. The asparagine at codon 91 is replaced by isoleucine, an amino acid with dissimilar properties. This amino acid position is conserved. In addition, this alteration is predicted to be tolerated by in silico analysis. Based on the available evidence, the clinical significance of this variant remains unclear.

Labcorp Genetics (formerly Invitae), Labcorp
Classification: Uncertain significance for Dyskeratosis congenita, autosomal recessive 5; Pulmonary fibrosis and/or bone marrow failure, Telomere-related, 3. Last evaluated: 2023-12-13. Review status: criteria provided, single submitter. Criteria: Invitae Variant Classification Sherloc (09022015). Collection method: clinical testing. Allele origin: germline.
Comment: This sequence change replaces asparagine, which is neutral and polar, with isoleucine, which is neutral and non-polar, at codon 91 of the RTEL1 protein (p.Asn91Ile). This variant is not present in population databases (gnomAD no frequency). This variant has not been reported in the literature in individuals affected with RTEL1-related conditions. An algorithm developed to predict the effect of missense changes on protein structure and function (PolyPhen-2) suggests that this variant is likely to be tolerated. In summary, the available evidence is currently insufficient to determine the role of this variant in disease. Therefore, it has been classified as a Variant of Uncertain Significance.